The following is an entry in ClinVar:

NM_005035.4(POLRMT):c.2438T>G (p.Phe813Cys)

Gene: POLRMT (RNA polymerase mitochondrial; minus strand). Cytogenetic location: 19p13.3.
Variant type: single nucleotide variant.
Coding change: c.2438T>G on transcript NM_005035.4 (MANE Select); coding-DNA position 2438, T replaced by G.
Protein change: p.Phe813Cys; replaces phenylalanine 813 with cysteine.
Molecular consequence: missense variant. On other transcripts: non-coding transcript variant (1).
Genome position (GRCh38, 1-based): chr19:621,260, A>C on the plus strand (T>G on the coding strand, the complement: POLRMT is on the minus strand). VCF-style: chr19-621260-A-C. GRCh37 (hg19) VCF-style: chr19-621260-A-C.
Other names: c.2105T>G, p.Phe702Cys (NM_001407834.1); c.2114T>G, p.Phe705Cys (NM_001407835.1, NM_001407836.1, NM_001407831.1 and 1 more transcripts); c.2438T>G, p.Phe813Cys (NM_001407812.1, NM_001407814.1, NM_001407815.1 and 4 more transcripts); c.2396T>G, p.Phe799Cys (NM_001407813.1, NM_001407811.1); c.2213T>G, p.Phe738Cys (NM_001407830.1, NM_001407832.1); c.2429T>G, p.Phe810Cys (NM_001407806.1, NM_001407809.1); c.2426T>G, p.Phe809Cys (NM_001407807.1, NM_001407810.1); short protein forms F702C, F705C, F738C, F799C, F809C, F810C, F813C.
Identifiers: ClinVar variation 4531739 (VCV004531739.3).

ClinVar aggregate classification (germline): Uncertain significance. Review status: criteria provided, multiple submitters, no conflicts (2 of 4 stars). 2 submissions from 2 submitters: Uncertain significance (2). Last evaluated 2025-10-09.

Conditions:
Combined oxidative phosphorylation deficiency 55 (COXPD55). Identifiers: MedGen C5676915, MONDO:0859228, OMIM 619743.

gnomAD v4.1: 79 of 1,608,120 alleles (0.0049%); highest among the groups gnomAD compares: Middle Eastern, 0.019%; no homozygotes.

Submissions (2):

Victorian Clinical Genetics Services, Murdoch Childrens Research Institute
Classification: Uncertain significance for Combined oxidative phosphorylation deficiency 55. Last evaluated: 2025-10-09. Review status: criteria provided, single submitter. Criteria: ACMG Guidelines, 2015. Collection method: clinical testing. Allele origin: germline. Affected: yes.
Comment: This variant is classified as VUS-3B. Evidence in support of pathogenic classification: Variant is present in gnomAD <0.01 (v4: 79 heterozygote(s), 0 homozygote(s)); Another missense variant comparable to the one identified in this case has limited previous evidence for pathogenicity. p.(Phe813Ser) has been reported in the literature in a homozygous individual with autism, dysmorphism and muscular hypotonia (PMID: 40583167). Additional information: Variant is predicted to result in a missense amino acid change from Phe to Cys; This variant is heterozygous; This gene is associated with both recessive and dominant disease. Most cases reported are recessive and the genotype-phenotype correlation is unclear (PMIDs: 40583167, 33602924); Alternative amino acid change(s) at the same position are present in gnomAD (Highest alelle count: v4: 1 heterozygote(s), 0 homozygote(s)) ; Previous reports of pathogenicity for this variant are conflicting. It has been classified as likely benign by a clinical laboratory in LOVD and reported in the literature as a VUS in an individual with in intellectual disability, regression and immunodeficiency (PMID: 38256266); No published evidence of segregation with disease has been identified for this variant; No published functional evidence has been identified for this variant; Variant is not located in an established domain, motif, hotspot or informative constraint region; Missense variant with inconclusive in silico prediction and uninformative conservation; Loss of function is a known mechanism of disease in this gene and is associated with combined oxidative phosphorylation deficiency 55 (MIM#619743). Dominant negative has also been suggested as the mechanism of disease for an in-frame deletion variant (PMID: 33602924); Variants in this gene are known to have variable expressivity. Disease severity and age of onset are variable among reported patients (PMID: 33602924); Inheritance information for this variant is not currently available in this individual.

Dasa
Classification: Uncertain significance for Combined oxidative phosphorylation deficiency 55. Last evaluated: 2025-08-27. Review status: criteria provided, single submitter. Criteria: DASA Assertion Criteria. Collection method: clinical testing. Allele origin: germline.
Comment: NM_005035.4(POLRMT):c.2438T>G (p.Phe813Cys) is a missense variant that results in the substitution of phenylalanine with cysteine. This variant is rare in population databases. The currently available literature and clinical evidence are not sufficient to establish a definitive association between this variant and the reported condition. Therefore, this variant is classified as a variant of uncertain significance.

Literature cited by the submitters: PubMed 38256266 (cited by Victorian Clinical Genetics Services, Murdoch Childrens Research Institute); PubMed 40583167 (cited by Victorian Clinical Genetics Services, Murdoch Childrens Research Institute); PubMed 33602924 (cited by Victorian Clinical Genetics Services, Murdoch Childrens Research Institute).